The following is an entry in ClinVar:

ClinVar aggregate classification (germline): Uncertain significance (1 of 4 stars; one submission).

gnomAD v4.1: 1 of 1,614,184 alleles (0.000062%); highest among the groups gnomAD compares: Non-Finnish European, 0.000085%; no homozygotes.

Submission:

Greenwood Genetic Center Diagnostic Laboratories, Greenwood Genetic Center
Classification: Uncertain significance. Last evaluated: 2026-05-11. Review status: criteria provided, single submitter. Criteria: ACMG Guidelines, 2015. Collection method: clinical testing. Allele origin: germline.
Comment: PM2, PP2

NM_001375524.1(TRRAP):c.10471G>C (p.Glu3491Gln)

Gene: TRRAP (transformation/transcription domain associated protein; plus strand). Cytogenetic location: 7q22.1.
Variant type: single nucleotide variant.
Coding change: c.10471G>C on transcript NM_001375524.1 (MANE Select); coding-DNA position 10471, G replaced by C.
Protein change: p.Glu3491Gln; replaces glutamic acid 3491 with glutamine.
Molecular consequence: missense variant.
Genome position (GRCh38, 1-based): chr7:99,004,351, G>C. VCF-style: chr7-99004351-G-C. GRCh37 (hg19) VCF-style: chr7-98601974-G-C.
Other names: c.10429G>C, p.Glu3477Gln (NM_001244580.2); c.10342G>C, p.Glu3448Gln (NM_003496.4); short protein forms E3448Q, E3477Q, E3491Q.
Identifiers: ClinVar variation 4891062 (VCV004891062.1).
Genomic context (GRCh38, chr7:99,004,351, plus strand): 5'-AAATTCTTCCTCATAGAGGAAAAGTGCCGGTTCTTGAGCAATTTCTCGGCACAGACAGCT[G>C]AAGTGGAAATTCCTGGGGAGTTTCTGATGCCAAAGCCAACGCATTATTACATCAAGATTG-3'
Protein context (NP_001362453.1, residues 3481-3501): FLSNFSAQTA[Glu3491Gln]VEIPGEFLMP